The following is an entry in ClinVar:

ClinVar aggregate classification (germline): Uncertain significance. Review status: criteria provided, multiple submitters, no conflicts (2 of 4 stars). 2 submissions from 2 submitters: Uncertain significance (2). Last evaluated 2025-08-09.

Conditions:
Hereditary cancer-predisposing syndrome. Also called: Neoplastic Syndromes, Hereditary; Hereditary Cancer Syndrome; Tumor predisposition; Hereditary neoplastic syndrome. Identifiers: Orphanet 140162, MedGen C0027672, MeSH D009386, MONDO:0015356.

Allele frequency attached by ClinVar (database versions not stated): ExAC 0.00001.

Submissions (2):

Labcorp Genetics (formerly Invitae), Labcorp
Classification: Uncertain significance. Last evaluated: 2025-08-09. Review status: criteria provided, single submitter. Criteria: Invitae Variant Classification Sherloc (09022015). Collection method: clinical testing. Allele origin: germline.
Comment: This sequence change replaces glutamic acid, which is acidic and polar, with alanine, which is neutral and non-polar, at codon 732 of the MSH3 protein (p.Glu732Ala). This variant is not present in population databases (gnomAD no frequency). This variant has not been reported in the literature in individuals affected with MSH3-related conditions. ClinVar contains an entry for this variant (Variation ID: 1036282). An algorithm developed to predict the effect of missense changes on protein structure and function (PolyPhen-2) suggests that this variant is likely to be disruptive. In summary, the available evidence is currently insufficient to determine the role of this variant in disease. Therefore, it has been classified as a Variant of Uncertain Significance.

Ambry Genetics
Classification: Uncertain significance for Hereditary cancer-predisposing syndrome. Last evaluated: 2024-09-06. Review status: criteria provided, single submitter. Criteria: Ambry Variant Classification Scheme 2023. Collection method: clinical testing. Allele origin: germline.
Comment: The p.E732A variant (also known as c.2195A>C), located in coding exon 15 of the MSH3 gene, results from an A to C substitution at nucleotide position 2195. The glutamic acid at codon 732 is replaced by alanine, an amino acid with dissimilar properties. This amino acid position is conserved. In addition, this alteration is predicted to be tolerated by in silico analysis. Based on the available evidence, the clinical significance of this variant remains unclear.

NM_002439.5(MSH3):c.2195A>C (p.Glu732Ala)

Gene: MSH3 (mutS homolog 3; plus strand). Cytogenetic location: 5q14.1.
Variant type: single nucleotide variant.
Coding change: c.2195A>C on transcript NM_002439.5 (MANE Select); coding-DNA position 2195, A replaced by C.
Protein change: p.Glu732Ala; replaces glutamic acid 732 with alanine.
Molecular consequence: missense variant.
Genome position (GRCh38, 1-based): chr5:80,768,945, A>C. VCF-style: chr5-80768945-A-C. GRCh37 (hg19) VCF-style: chr5-80064764-A-C.
Other names: c.2195A>C (NM_002439.3); short protein forms E732A.
Identifiers: ClinVar variation 1036282 (VCV001036282.9), dbSNP rs746372859, ClinGen allele CA3328161.